The following is an entry in ClinVar:

ClinVar aggregate classification (germline): Uncertain significance (1 of 4 stars; one submission).

Conditions:
Heterotopia, periventricular, X-linked dominant (PVNH1). Also called: PERIVENTRICULAR NODULAR HETEROTOPIA 1; X-linked periventricular heterotopia; PERIVENTRICULAR NODULAR HETEROTOPIA 4; HETEROTOPIA, PERIVENTRICULAR, 1. Identifiers: Orphanet 2149, Orphanet 82004, MedGen C1848213, MONDO:0010233, OMIM 300049.
Melnick-Needles syndrome (MNS). Also called: Melnick-Needles Syndrome (FLNA-MNS); MELNICK-NEEDLES OSTEODYSPLASTY; OSTEODYSPLASTY OF MELNICK AND NEEDLES. Identifiers: Orphanet 2484, MedGen C0025237, MONDO:0010650, OMIM 309350.
Frontometaphyseal dysplasia (FMD1). Identifiers: Orphanet 1826, MedGen C0265293, MONDO:0015942.
Oto-palato-digital syndrome, type II (OPD2). Also called: Otopalatodigital Syndrome Type 2 (FLNA-OPD2); FACIOPALATOOSSEOUS SYNDROME; OPD II SYNDROME; Otopalatodigital Syndrome, Type II. Identifiers: Orphanet 669, Orphanet 90652, MedGen C1844696, MONDO:0010571, OMIM 304120.

Allele frequency attached by ClinVar (database versions not stated): gnomAD exomes below 0.00001.
gnomAD v4.1: 2 of 1,210,519 alleles (0.00017%); highest among the groups gnomAD compares: Non-Finnish European, 0.00022%; no homozygotes.

Submission:

Labcorp Genetics (formerly Invitae), Labcorp
Classification: Uncertain significance for Oto-palato-digital syndrome, type II; Heterotopia, periventricular, X-linked dominant; Frontometaphyseal dysplasia; Melnick-Needles syndrome. Last evaluated: 2023-08-19. Review status: criteria provided, single submitter. Criteria: Invitae Variant Classification Sherloc (09022015). Collection method: clinical testing. Allele origin: germline.
Comment: In summary, the available evidence is currently insufficient to determine the role of this variant in disease. Therefore, it has been classified as a Variant of Uncertain Significance. Advanced modeling of protein sequence and biophysical properties (such as structural, functional, and spatial information, amino acid conservation, physicochemical variation, residue mobility, and thermodynamic stability) has been performed at Invitae for this missense variant, however the output from this modeling did not meet the statistical confidence thresholds required to predict the impact of this variant on FLNA protein function. This variant has not been reported in the literature in individuals affected with FLNA-related conditions. This variant is not present in population databases (gnomAD no frequency). This sequence change replaces proline, which is neutral and non-polar, with arginine, which is basic and polar, at codon 960 of the FLNA protein (p.Pro960Arg).

NM_001110556.2(FLNA):c.2879C>G (p.Pro960Arg)

Gene: FLNA (filamin A; minus strand). Cytogenetic location: Xq28.
Variant type: single nucleotide variant.
Coding change: c.2879C>G on transcript NM_001110556.2 (MANE Select); coding-DNA position 2879, C replaced by G.
Protein change: p.Pro960Arg; replaces proline 960 with arginine.
Molecular consequence: missense variant.
Genome position (GRCh38, 1-based): chrX:154,361,735, G>C on the plus strand (C>G on the coding strand, the complement: FLNA is on the minus strand). VCF-style: chrX-154361735-G-C. GRCh37 (hg19) VCF-style: chrX-153590103-G-C.
Other names: c.2879C>G, p.Pro960Arg (NM_001456.4); short protein forms P960R.
Identifiers: ClinVar variation 2951126 (VCV002951126.3), dbSNP rs2522745853, ClinGen allele CA415231633.